The following is an entry in ClinVar:

ClinVar aggregate classification (germline): Uncertain significance. Review status: criteria provided, multiple submitters, no conflicts (2 of 4 stars). 2 submissions from 2 submitters: Uncertain significance (2). Last evaluated 2025-07-14.

Conditions:
Seizures, benign familial infantile, 3 (BFIS3). Also called: CONVULSIONS, BENIGN FAMILIAL INFANTILE, 3; Familial neonatal seizures. Identifiers: Orphanet 140927, Orphanet 306, MedGen C1843140, MONDO:0011904, OMIM 607745.
Developmental and epileptic encephalopathy, 11 (DEE11). Also called: Early infantile epileptic encephalopathy 11. Identifiers: Orphanet 1934, MedGen C3150987, MONDO:0013388, OMIM 613721.
Inborn genetic diseases. Identifiers: MedGen C0950123, MeSH D030342.

Submissions (2):

Ambry Genetics
Classification: Uncertain significance for Inborn genetic diseases. Last evaluated: 2025-07-14. Review status: criteria provided, single submitter. Criteria: Ambry Variant Classification Scheme 2023. Collection method: clinical testing. Allele origin: germline.
Comment: The c.4446+5G>C intronic alteration consists of a G to C substitution 5 nucleotides after coding exon 23 in the SCN2A gene. This variant was not reported in population-based cohorts in the Genome Aggregation Database (gnomAD). This nucleotide position is highly conserved in available vertebrate species. In silico splice site analysis predicts that this alteration may weaken the native splice donor site. Based on insufficient or conflicting evidence, the clinical significance of this alteration remains unclear.

Labcorp Genetics (formerly Invitae), Labcorp
Classification: Uncertain significance for Seizures, benign familial infantile, 3; Developmental and epileptic encephalopathy, 11. Last evaluated: 2023-03-14. Review status: criteria provided, single submitter. Criteria: Invitae Variant Classification Sherloc (09022015). Collection method: clinical testing. Allele origin: germline.
Comment: This sequence change falls in intron 24 of the SCN2A gene. It does not directly change the encoded amino acid sequence of the SCN2A protein. It affects a nucleotide within the consensus splice site. This variant is not present in population databases (gnomAD no frequency). This variant has not been reported in the literature in individuals affected with SCN2A-related conditions. Variants that disrupt the consensus splice site are a relatively common cause of aberrant splicing (PMID: 17576681, 9536098). Algorithms developed to predict the effect of sequence changes on RNA splicing suggest that this variant may disrupt the consensus splice site. In summary, the available evidence is currently insufficient to determine the role of this variant in disease. Therefore, it has been classified as a Variant of Uncertain Significance.

Literature cited by the submitters: PubMed 17576681 (cited by Labcorp Genetics (formerly Invitae), Labcorp); PubMed 9536098 (cited by Labcorp Genetics (formerly Invitae), Labcorp).

NM_001040142.2(SCN2A):c.4446+5G>C

Gene: SCN2A (sodium voltage-gated channel alpha subunit 2; plus strand). Cytogenetic location: 2q24.3.
Variant type: single nucleotide variant.
Coding change: c.4446+5G>C on transcript NM_001040142.2 (MANE Select); 5 bases into the intron after coding-DNA position 4446, G replaced by C.
Molecular consequence: intron variant.
Genome position (GRCh38, 1-based): chr2:165,380,734, G>C. VCF-style: chr2-165380734-G-C. GRCh37 (hg19) VCF-style: chr2-166237244-G-C.
Other names: c.4446+5G>C (NM_021007.2, NM_001040143.2, NM_001371246.1 and 2 more transcripts).
Identifiers: ClinVar variation 2945301 (VCV002945301.4), dbSNP rs2468126787, ClinGen allele CA2740095816.